The following is an entry in ClinVar:

NM_000093.5(COL5A1):c.1687C>G (p.Pro563Ala)

Gene: COL5A1 (collagen type V alpha 1 chain; plus strand). Cytogenetic location: 9q34.3.
Variant type: single nucleotide variant.
Coding change: c.1687C>G on transcript NM_000093.5 (MANE Select); coding-DNA position 1687, C replaced by G.
Protein change: p.Pro563Ala; replaces proline 563 with alanine.
Molecular consequence: missense variant.
Genome position (GRCh38, 1-based): chr9:134,752,613, C>G. VCF-style: chr9-134752613-C-G. GRCh37 (hg19) VCF-style: chr9-137644459-C-G.
Other names: c.1687C>G, p.Pro563Ala (NM_001278074.1); short protein forms P563A.
Identifiers: ClinVar variation 1706666 (VCV001706666.2), dbSNP rs765839116, ClinGen allele CA5318907.

ClinVar aggregate classification (germline): Uncertain significance (1 of 4 stars; one submission).

Allele frequency attached by ClinVar (database versions not stated): ExAC 0.00001.
gnomAD v4.1: 2 of 1,613,628 alleles (0.00012%); highest among the groups gnomAD compares: Non-Finnish European, 0.00017%; no homozygotes.

Submission:

GeneDx
Classification: Uncertain significance. Last evaluated: 2022-03-23. Review status: criteria provided, single submitter. Criteria: GeneDx Variant Classification Process June 2021. Collection method: clinical testing. Allele origin: germline. Affected: yes.
Comment: Has not been previously published as pathogenic or benign to our knowledge; Not observed at significant frequency in large population cohorts (gnomAD); In silico analysis supports that this missense variant has a deleterious effect on protein structure/function; Occurs in the triple helical domain at the X position in the canonical Gly-X-Y repeat; although this variant may have an effect on normal protein folding and function, missense substitution at the X position is not a common mechanism of disease (Symoens et al., 2012; HGMD)